The following is an entry in ClinVar:

NM_194248.3(OTOF):c.2556del (p.Ile851_Trp852insTer)

Gene: OTOF (otoferlin; minus strand). Cytogenetic location: 2p23.3.
Variant type: Deletion.
Coding change: c.2556del on transcript NM_194248.3 (MANE Select); coding-DNA position 2556, one base deleted (G; older notation c.2556delG).
Protein change: p.Ile851_Trp852insTer.
Molecular consequence: nonsense.
Genome position (GRCh38, 1-based): chr2:26,477,011, C deleted on the plus strand (G on the coding strand, the reverse complement: OTOF is on the minus strand); the first of 2 consecutive C bases (chr2:26,477,011-26,477,012); deleting either gives the same sequence. VCF-style (leftmost placement, unchanged base first): chr2-26477010-TC-T. GRCh37 (hg19) VCF-style: chr2-26699878-TC-T.
Other names: c.2556del, p.Ile851_Trp852insTer (NM_001287489.2); c.315del, p.Ile104_Trp105insTer (NM_004802.4, NM_194323.3); c.486del, p.Ile161_Trp162insTer (NM_194322.3).
Identifiers: ClinVar variation 2698748 (VCV002698748.5), dbSNP rs2465591579, ClinGen allele CA2697547888.

ClinVar aggregate classification (germline): Pathogenic/Likely pathogenic. Review status: criteria provided, multiple submitters, no conflicts (2 of 4 stars). 2 submissions from 2 submitters: Pathogenic (1); Likely pathogenic (1). Last evaluated 2025-05-11.

Submissions (2):

Dasa
Classification: Likely pathogenic. Last evaluated: 2025-05-11. Review status: criteria provided, single submitter. Criteria: DASA Assertion Criteria. Collection method: clinical testing. Allele origin: germline.
Comment: NM_194248.3(OTOF):c.2556del (p.Trp852*) is a nonsense variant in OTOF predicted to introduce a premature termination codon and is predicted to result in an absent or altered protein product. Loss of function is an established disease mechanism for OTOF-associated disorders. Also, this variant is absent from population databases. Based on the currently available evidence, this variant is classified as likely pathogenic.

Labcorp Genetics (formerly Invitae), Labcorp
Classification: Pathogenic. Last evaluated: 2023-11-24. Review status: criteria provided, single submitter. Criteria: Invitae Variant Classification Sherloc (09022015). Collection method: clinical testing. Allele origin: germline.
Comment: This sequence change creates a premature translational stop signal (p.Trp852*) in the OTOF gene. It is expected to result in an absent or disrupted protein product. Loss-of-function variants in OTOF are known to be pathogenic (PMID: 18381613, 19250381, 22575033). This variant is not present in population databases (gnomAD no frequency). This variant has not been reported in the literature in individuals affected with OTOF-related conditions. For these reasons, this variant has been classified as Pathogenic.

Literature cited by the submitters: PubMed 18381613 (cited by Labcorp Genetics (formerly Invitae), Labcorp); PubMed 19250381 (cited by Labcorp Genetics (formerly Invitae), Labcorp); PubMed 22575033 (cited by Labcorp Genetics (formerly Invitae), Labcorp).